The following is an entry in ClinVar:

NM_001283009.2(RTEL1):c.1443G>A (p.Thr481=)

Genes: RTEL1 (regulator of telomere elongation helicase 1; plus strand), RTEL1-TNFRSF6B (RTEL1-TNFRSF6B readthrough (NMD candidate); plus strand). Cytogenetic location: 20q13.33.
Variant type: single nucleotide variant.
Coding change: c.1443G>A on transcript NM_001283009.2 (MANE Select); coding-DNA position 1443, G replaced by A.
Protein change: p.Thr481=; no amino-acid change (threonine 481 retained).
Molecular consequence: synonymous variant. On other transcripts: non-coding transcript variant (1).
Genome position (GRCh38, 1-based): chr20:63,687,732, G>A. VCF-style: chr20-63687732-G-A. GRCh37 (hg19) VCF-style: chr20-62319085-G-A.
Other names: c.774G>A, p.Thr258= (NM_001283010.1); c.1443G>A, p.Thr481= (NM_016434.4); c.1515G>A, p.Thr505= (NM_032957.5).
Identifiers: ClinVar variation 725638 (VCV000725638.36), dbSNP rs762716598, ClinGen allele CA9964794.
Genomic context (GRCh38, chr20:63,687,732, plus strand): 5'-CCACAGCATGCACGAGCTGGTCCGCCAGGGCGTCCGCTCCCTCATCCTTACCAGCGGCAC[G>A]CTGGCCCCGGTGTCCTCCTTTGCTCTGGAGATGCAGATGTACGGGCCACCCCTGCCAGGG-3'
Protein context (NP_001269938.1, residues 471-491): GVRSLILTSG[Thr481=]LAPVSSFALE

ClinVar aggregate classification (germline): Likely benign. Review status: criteria provided, multiple submitters, no conflicts (2 of 4 stars). 3 submissions from 3 submitters: Likely benign (3). Last evaluated 2026-01-28.

Conditions:
Dyskeratosis congenita, autosomal recessive 5 (DKCB5). Identifiers: MedGen C3554656, MONDO:0014076, OMIM 615190.
Pulmonary fibrosis and/or bone marrow failure, Telomere-related, 3. Also called: PULMONARY FIBROSIS AND/OR BONE MARROW FAILURE SYNDROME, TELOMERE-RELATED, 3. Identifiers: Orphanet 2032, MedGen C4225346, MONDO:0014613, OMIM 616373.

Allele frequency attached by ClinVar (database versions not stated): gnomAD exomes 0.00004; TOPMed 0.00004; ExAC 0.00006; gnomAD 0.00003.
gnomAD v4.1: 41 of 1,590,788 alleles (0.0026%); highest among the groups gnomAD compares: Middle Eastern, 0.089%; no homozygotes.

Submissions (3):

Labcorp Genetics (formerly Invitae), Labcorp
Classification: Likely benign for Dyskeratosis congenita, autosomal recessive 5; Pulmonary fibrosis and/or bone marrow failure, Telomere-related, 3. Last evaluated: 2026-01-28. Review status: criteria provided, single submitter. Criteria: Invitae Variant Classification Sherloc (09022015). Collection method: clinical testing. Allele origin: germline.

Blueprint Genetics
Classification: Likely benign. Last evaluated: 2024-02-13. Review status: criteria provided, single submitter. Criteria: ACMG Guidelines, 2015. Collection method: clinical testing. Allele origin: germline.

CeGaT Center for Human Genetics Tuebingen
Classification: Likely benign. Last evaluated: 2022-11-01. Review status: criteria provided, single submitter. Criteria: CeGaT Center For Human Genetics Tuebingen Variant Classification Criteria Version 2. Collection method: clinical testing. Allele origin: germline. Affected: yes. Observed: 1 variant allele.
Comment: RTEL1: BP4, BP7